The following is an entry in ClinVar:

NM_001134363.3(RBM20):c.3331G>A (p.Val1111Met)

Gene: RBM20 (RNA binding motif protein 20; plus strand). Cytogenetic location: 10q25.2.
Variant type: single nucleotide variant.
Coding change: c.3331G>A on transcript NM_001134363.3 (MANE Select); coding-DNA position 3331, G replaced by A.
Protein change: p.Val1111Met; replaces valine 1111 with methionine.
Molecular consequence: missense variant.
Genome position (GRCh38, 1-based): chr10:110,823,494, G>A. VCF-style: chr10-110823494-G-A. GRCh37 (hg19) VCF-style: chr10-112583252-G-A.
Other names: c.3331G>A (LRG_382t1); short protein forms V1111M.
Identifiers: ClinVar variation 411648 (VCV000411648.14), dbSNP rs77110978, ClinGen allele CA5688780.

ClinVar aggregate classification (germline): Conflicting classifications of pathogenicity. Review status: criteria provided, conflicting classifications (1 of 4 stars). 4 submissions from 4 submitters: Uncertain significance (1); Likely benign (3). Last evaluated 2026-01-28.

Conditions:
Cardiovascular phenotype. Identifiers: MedGen CN230736.
Dilated cardiomyopathy 1DD (CMD1DD). Identifiers: Orphanet 154, MedGen C2750995, MONDO:0013168, OMIM 613172.

Allele frequency attached by ClinVar (database versions not stated): ExAC 0.00005; TOPMed 0.00005; 1000 Genomes Project 30x 0.00078; 1000 Genomes Project 0.00100.
gnomAD v4.1: 282 of 1,503,670 alleles (0.019%); highest among the groups gnomAD compares: East Asian, 0.69%; 4 homozygotes.

Submissions (4):

Labcorp Genetics (formerly Invitae), Labcorp
Classification: Likely benign for Dilated cardiomyopathy 1DD. Last evaluated: 2026-01-28. Review status: criteria provided, single submitter. Criteria: Invitae Variant Classification Sherloc (09022015). Collection method: clinical testing. Allele origin: germline.

GeneDx
Classification: Uncertain significance. Last evaluated: 2024-04-26. Review status: criteria provided, single submitter. Criteria: GeneDx Variant Classification Process June 2021. Collection method: clinical testing. Allele origin: germline. Affected: yes.
Comment: In silico analysis indicates that this missense variant does not alter protein structure/function; Has not been previously published as pathogenic or benign to our knowledge

Women's Health and Genetics/Laboratory Corporation of America, LabCorp
Classification: Likely benign. Last evaluated: 2023-06-12. Review status: criteria provided, single submitter. Criteria: LabCorp Variant Classification Summary - May 2015. Collection method: clinical testing. Allele origin: germline.
Comment: Variant summary: RBM20 c.3331G>A (p.Val1111Met) results in a conservative amino acid change in the encoded protein sequence. Five of five in-silico tools predict a benign effect of the variant on protein function. The variant allele was found at a frequency of 0.00011 in 136738 control chromosomes, predominantly at a frequency of 0.0028 within the East Asian subpopulation in the gnomAD database (v.3.1). The observed variant frequency within East Asian control individuals in the gnomAD database is approximately 60-fold of the estimated maximal expected allele frequency for a pathogenic variant in RBM20 causing Dilated Cardiomyopathy phenotype (4.7e-05), strongly suggesting that the variant is a benign polymorphism found primarily in populations of East Asian origin. To our knowledge, no occurrence of c.3331G>A in individuals affected with Dilated Cardiomyopathy and no experimental evidence demonstrating its impact on protein function have been reported. Two clinical diagnostic laboratories have submitted clinical-significance assessments for this variant to ClinVar after 2014, and classified it as likely benign. Based on the evidence outlined above, the variant was classified as likely benign.

Ambry Genetics
Classification: Likely benign for Cardiovascular phenotype. Last evaluated: 2017-05-16. Review status: criteria provided, single submitter. Criteria: Ambry Variant Classification Scheme 2023. Collection method: clinical testing. Allele origin: germline.